The following is an entry in ClinVar:

NM_003640.5(ELP1):c.2623_2624del (p.Glu875fs)

Gene: ELP1 (elongator acetyltransferase complex subunit 1; minus strand). Cytogenetic location: 9q31.3.
Variant type: Deletion.
Coding change: c.2623_2624del on transcript NM_003640.5 (MANE Select); coding-DNA positions 2623 to 2624, 2 bases deleted (GA; older notation c.2623_2624delGA).
Protein change: p.Glu875fs; shifts the reading frame from glutamic acid 875.
Molecular consequence: frameshift variant.
Genome position (GRCh38, 1-based): chr9:108,896,608-108,896,609, TC deleted on the plus strand (GA on the coding strand, the reverse complement: ELP1 is on the minus strand). VCF-style (leftmost placement, unchanged base first): chr9-108896607-TTC-T. GRCh37 (hg19) VCF-style: chr9-111658887-TTC-T.
Other names: c.2281_2282del, p.Glu761fs (NM_001318360.2); c.1576_1577del, p.Glu526fs (NM_001330749.2); short protein forms E526fs, E761fs, E875fs.
Identifiers: ClinVar variation 1725001 (VCV001725001.2), dbSNP rs2537889240, ClinGen allele CA2580079380.

ClinVar aggregate classification (germline): Likely pathogenic (1 of 4 stars; one submission).

Conditions:
Familial dysautonomia. Also called: HSAN III; FD. Identifiers: Orphanet 1764, MedGen C0013364, MONDO:0009131, OMIM 223900. Disease mechanism: loss of function.

Submission:

Myriad Genetics, Inc.
Classification: Likely pathogenic for Familial dysautonomia. Last evaluated: 2022-03-04. Review status: criteria provided, single submitter. Criteria: Myriad Women's Health Autosomal Recessive and X-Linked Classification Criteria (2021). Collection method: clinical testing. Allele origin: unknown.
Comment: NM_003640.3(ELP1):c.2623_2624delGA(E875Rfs*13) is expected to be pathogenic in the context of familial dysautonomia. This variant is predicted to lead to an abnormal or absent protein product due to the creation of a premature termination codon in ELP1, a gene where loss-of-function variants are known to be pathogenic. Please note: this variant was assessed in the context of healthy population screening.